The following is an entry in ClinVar:

ClinVar aggregate classification (germline): Uncertain significance. Review status: criteria provided, multiple submitters, no conflicts (2 of 4 stars). 2 submissions from 2 submitters: Uncertain significance (2). Last evaluated 2025-07-27.

Conditions:
Hereditary cancer-predisposing syndrome. Also called: Neoplastic Syndromes, Hereditary; Hereditary Cancer Syndrome; Tumor predisposition; Hereditary neoplastic syndrome. Identifiers: Orphanet 140162, MedGen C0027672, MeSH D009386, MONDO:0015356.

Allele frequency attached by ClinVar (database versions not stated): gnomAD exomes below 0.00001.
gnomAD v4.1: 4 of 1,612,470 alleles (0.00025%); highest among the groups gnomAD compares: Non-Finnish European, 0.00025%; no homozygotes.

Submissions (2):

Labcorp Genetics (formerly Invitae), Labcorp
Classification: Uncertain significance. Last evaluated: 2025-07-27. Review status: criteria provided, single submitter. Criteria: Invitae Variant Classification Sherloc (09022015). Collection method: clinical testing. Allele origin: germline.
Comment: This sequence change replaces aspartic acid, which is acidic and polar, with valine, which is neutral and non-polar, at codon 875 of the MSH3 protein (p.Asp875Val). This variant is not present in population databases (gnomAD no frequency). This variant has not been reported in the literature in individuals affected with MSH3-related conditions. ClinVar contains an entry for this variant (Variation ID: 1039549). An algorithm developed to predict the effect of missense changes on protein structure and function (PolyPhen-2) suggests that this variant is likely to be disruptive. In summary, the available evidence is currently insufficient to determine the role of this variant in disease. Therefore, it has been classified as a Variant of Uncertain Significance.

Ambry Genetics
Classification: Uncertain significance for Hereditary cancer-predisposing syndrome. Last evaluated: 2025-06-02. Review status: criteria provided, single submitter. Criteria: Ambry Variant Classification Scheme 2023. Collection method: clinical testing. Allele origin: germline.
Comment: The p.D875V variant (also known as c.2624A>T), located in coding exon 19 of the MSH3 gene, results from an A to T substitution at nucleotide position 2624. The aspartic acid at codon 875 is replaced by valine, an amino acid with highly dissimilar properties. This amino acid position is conserved. In addition, the in silico prediction for this alteration is inconclusive. Since supporting evidence is limited at this time, the clinical significance of this alteration remains unclear.

NM_002439.5(MSH3):c.2624A>T (p.Asp875Val)

Gene: MSH3 (mutS homolog 3; plus strand). Cytogenetic location: 5q14.1.
Variant type: single nucleotide variant.
Coding change: c.2624A>T on transcript NM_002439.5 (MANE Select); coding-DNA position 2624, A replaced by T.
Protein change: p.Asp875Val; replaces aspartic acid 875 with valine.
Molecular consequence: missense variant.
Genome position (GRCh38, 1-based): chr5:80,792,813, A>T. VCF-style: chr5-80792813-A-T. GRCh37 (hg19) VCF-style: chr5-80088632-A-T.
Other names: short protein forms D875V.
Identifiers: ClinVar variation 1039549 (VCV001039549.10), dbSNP rs1744631443, ClinGen allele CA360273000.
Genomic context (GRCh38, chr5:80,792,813, plus strand): 5'-GAAAAATTGTAATAAAAAATGGAAGGCACCCTGTGATTGATGTGTTGCTGGGAGAACAGG[A>T]TCAATATGTCCCAAATAATACAGATTTATCAGTAAGTACCTTATGCCAAAAAATAAGTCG-3'
Protein context (NP_002430.3, residues 865-885): PVIDVLLGEQ[Asp875Val]QYVPNNTDLS